The following is an entry in ClinVar:

NM_001204.7(BMPR2):c.2765G>C (p.Ser922Thr)

Gene: BMPR2 (bone morphogenetic protein receptor type 2; plus strand). Cytogenetic location: 2q33.2.
Variant type: single nucleotide variant.
Coding change: c.2765G>C on transcript NM_001204.7 (MANE Select); coding-DNA position 2765, G replaced by C.
Protein change: p.Ser922Thr; replaces serine 922 with threonine.
Molecular consequence: missense variant.
Genome position (GRCh38, 1-based): chr2:202,556,430, G>C. VCF-style: chr2-202556430-G-C. GRCh37 (hg19) VCF-style: chr2-203421153-G-C.
Other names: short protein forms S922T.
Identifiers: ClinVar variation 3585307 (VCV003585307.2).

ClinVar aggregate classification (germline): Uncertain significance. Review status: criteria provided, multiple submitters, no conflicts (2 of 4 stars). 2 submissions from 2 submitters: Uncertain significance (2). Last evaluated 2025-05-06.

Conditions:
Inborn genetic diseases. Identifiers: MedGen C0950123, MeSH D030342.
Pulmonary hypertension, primary, 1 (PPH1). Also called: Pulmonary hypertension, familial primary, 1, with or without HHT. Identifiers: Orphanet 422, MedGen C4552070, MONDO:0024533, OMIM 178600.
Pulmonary venoocclusive disease 1 (PVOD1). Also called: Pulmonary venoocclusive disease 1, autosomal dominant. Identifiers: Orphanet 31837, MedGen C3887658, MONDO:0020713, OMIM 265450.

gnomAD v4.1: 2 of 1,614,146 alleles (0.00012%); highest among the groups gnomAD compares: Admixed American, 0.0033%; no homozygotes.

Submissions (2):

Ambry Genetics
Classification: Uncertain significance for Inborn genetic diseases. Last evaluated: 2025-05-06. Review status: criteria provided, single submitter. Criteria: Ambry Variant Classification Scheme 2023. Collection method: clinical testing. Allele origin: germline.
Comment: The p.S922T variant (also known as c.2765G>C), located in coding exon 12 of the BMPR2 gene, results from a G to C substitution at nucleotide position 2765. The serine at codon 922 is replaced by threonine, an amino acid with similar properties. This amino acid position is conserved. In addition, this alteration is predicted to be tolerated by in silico analysis. Based on the available evidence, the clinical significance of this variant remains unclear.

Fulgent Genetics
Classification: Uncertain significance for Pulmonary hypertension, primary, 1; Pulmonary venoocclusive disease 1. Last evaluated: 2024-04-05. Review status: criteria provided, single submitter. Criteria: ACMG Guidelines, 2015. Collection method: clinical testing. Allele origin: germline.